The following is an entry in ClinVar:

ClinVar aggregate classification (germline): Conflicting classifications of pathogenicity. Review status: criteria provided, conflicting classifications (1 of 4 stars). 3 submissions from 3 submitters: Uncertain significance (1); Likely benign (2). Last evaluated 2025-09-21.

Conditions:
Gorlin syndrome. Also called: Nevoid Basal Cell Carcinoma Syndrome; Basal cell nevus syndrome. Identifiers: Orphanet 377, MedGen C0004779, MONDO:0007187.
Hereditary cancer-predisposing syndrome. Also called: Hereditary neoplastic syndrome; Tumor predisposition; Neoplastic Syndromes, Hereditary; Hereditary Cancer Syndrome. Identifiers: Orphanet 140162, MedGen C0027672, MeSH D009386, MONDO:0015356.

Allele frequency attached by ClinVar (database versions not stated): gnomAD exomes below 0.00001.
gnomAD v4.1: 3 of 1,614,056 alleles (0.00019%); highest among the groups gnomAD compares: African/African-American, 0.0013%; no homozygotes.

Submissions (3):

Labcorp Genetics (formerly Invitae), Labcorp
Classification: Likely benign for Gorlin syndrome. Last evaluated: 2025-09-21. Review status: criteria provided, single submitter. Criteria: Invitae Variant Classification Sherloc (09022015). Collection method: clinical testing. Allele origin: germline.

Ambry Genetics
Classification: Likely benign for Hereditary cancer-predisposing syndrome. Last evaluated: 2025-05-03. Review status: criteria provided, single submitter. Criteria: Ambry Variant Classification Scheme 2023. Collection method: clinical testing. Allele origin: germline.

Quest Diagnostics Nichols Institute San Juan Capistrano
Classification: Uncertain significance. Last evaluated: 2024-11-08. Review status: criteria provided, single submitter. Criteria: Quest Diagnostics criteria. Collection method: clinical testing. Allele origin: unknown.
Comment: The PTCH1 c.4242G>A (p.Val1414=) synonymous variant has not been reported in individuals with PTCH1-related conditions in the published literature. The frequency of this variant in the general population, 0.0000066 (1/152174 chromosomes (Genome Aggregation Database)), is uninformative in the assessment of its pathogenicity. Analysis of this variant using software algorithms for the prediction of the effect of nucleotide changes on splicing yielded predictions that this variant does not affect PTCH1 mRNA splicing. Based on the available information, we are unable to determine the clinical significance of this variant.

NM_000264.5(PTCH1):c.4242G>A (p.Val1414=)

Gene: PTCH1 (patched 1; minus strand). Cytogenetic location: 9q22.32.
Variant type: single nucleotide variant.
Coding change: c.4242G>A on transcript NM_000264.5 (MANE Select); coding-DNA position 4242, G replaced by A.
Protein change: p.Val1414=; no amino-acid change (valine 1414 retained).
Molecular consequence: synonymous variant. On other transcripts: non-coding transcript variant (1).
Genome position (GRCh38, 1-based): chr9:95,447,014, C>T on the plus strand (G>A on the coding strand, the complement: PTCH1 is on the minus strand). VCF-style: chr9-95447014-C-T. GRCh37 (hg19) VCF-style: chr9-98209296-C-T.
Other names: c.4242G>A (NM_000264.4, NM_000264.3); c.4044G>A, p.Val1348= (NM_001083602.3); c.4239G>A, p.Val1413= (NM_001083603.3); c.3789G>A, p.Val1263= (NM_001083604.3, NM_001083605.3, NM_001083606.3 and 1 more transcripts); c.4086G>A, p.Val1362= (NM_001354918.2).
Identifiers: ClinVar variation 1143767 (VCV001143767.11), dbSNP rs1390378010, ClinGen allele CA466105087.
Genomic context (GRCh38, chr9:95,447,014, plus strand): 5'-GTCCTGCAGCTCAATGACTTCCACCTTCGAATCCCTCCTCTCACACCGGACGTGGAAAGG[C>T]ACGTGGGGGTCCTCAAACAGGCCGTGGTCAGTCTCAGGGTAGCCTGGGCAGAGTCCCCCT-3'
Protein context (NP_000255.2, residues 1404-1424): TDHGLFEDPH[Val1414=]PFHVRCERRD